The following is an entry in ClinVar:

NM_002109.6(HARS1):c.951+5G>T

Gene: HARS1 (histidyl-tRNA synthetase 1; minus strand). Cytogenetic location: 5q31.3.
Variant type: single nucleotide variant.
Coding change: c.951+5G>T on transcript NM_002109.6 (MANE Select); 5 bases into the intron after coding-DNA position 951, G replaced by T.
Molecular consequence: intron variant.
Genome position (GRCh38, 1-based): chr5:140,676,984, C>A on the plus strand (G>T on the coding strand, the complement: HARS1 is on the minus strand). VCF-style: chr5-140676984-C-A. GRCh37 (hg19) VCF-style: chr5-140056569-C-A.
Other names: c.864+5G>T (NM_001289094.2); c.609+5G>T (NM_001289093.2); c.771+5G>T (NM_001258042.3); c.831+5G>T (NM_001258040.3); c.729+5G>T (NM_001289092.2); c.891+5G>T (NM_001258041.3); c.951+5G>T (NM_002109.5).
Identifiers: ClinVar variation 1680315 (VCV001680315.11), dbSNP rs1473283139, ClinGen allele CA804731779.

ClinVar aggregate classification (germline): Conflicting classifications of pathogenicity. Review status: criteria provided, conflicting classifications (1 of 4 stars). 3 submissions from 3 submitters: Pathogenic (1); Uncertain significance (2). Last evaluated 2026-02-20.

Conditions:
Usher syndrome type 3B. Also called: USHER SYNDROME, TYPE IIIB. Identifiers: MedGen C3281066, MONDO:0013788, OMIM 614504.
HARS1-related multi-system ataxia syndrome.

Allele frequency attached by ClinVar (database versions not stated): gnomAD exomes 0.00002; TOPMed 0.00002; gnomAD 0.00003.
gnomAD v4.1: 32 of 1,614,126 alleles (0.002%); highest among the groups gnomAD compares: Non-Finnish European, 0.0025%; no homozygotes.

Submissions (3):

Undiagnosed Diseases Network, NIH
Classification: Pathogenic for HARS1-related multi-system ataxia syndrome. Last evaluated: 2026-02-20. Review status: criteria provided, single submitter. Criteria: ACMG Guidelines, 2015. Collection method: clinical testing. Allele origin: maternal. Inheritance: Autosomal recessive inheritance. Affected: yes. Observed: 1 variant allele, 1 compound heterozygote. Study: Undiagnosed Diseases Network (NIH), UDN.
Comment: Pathogenic with the addition of PS4 supporting (3 total cases). Criteria used: PVS1, PM2_supporting, PS4_supporting.

Labcorp Genetics (formerly Invitae), Labcorp
Classification: Uncertain significance for Usher syndrome type 3B. Last evaluated: 2025-03-17. Review status: criteria provided, single submitter. Criteria: Invitae Variant Classification Sherloc (09022015). Collection method: clinical testing. Allele origin: germline.
Comment: This sequence change falls in intron 9 of the HARS gene. It does not directly change the encoded amino acid sequence of the HARS protein. It affects a nucleotide within the consensus splice site. This variant is not present in population databases (gnomAD no frequency). This variant has not been reported in the literature in individuals affected with HARS-related conditions. ClinVar contains an entry for this variant (Variation ID: 1680315). Variants that disrupt the consensus splice site are a relatively common cause of aberrant splicing (PMID: 17576681, 9536098). Algorithms developed to predict the effect of sequence changes on RNA splicing suggest that this variant may disrupt the consensus splice site. In summary, the available evidence is currently insufficient to determine the role of this variant in disease. Therefore, it has been classified as a Variant of Uncertain Significance.

GeneDx
Classification: Uncertain significance. Last evaluated: 2023-07-18. Review status: criteria provided, single submitter. Criteria: GeneDx Variant Classification Process June 2021. Collection method: clinical testing. Allele origin: germline. Affected: yes.
Comment: Not observed at significant frequency in large population cohorts (gnomAD); In silico analysis supports a deleterious effect on splicing; Has not been previously published as pathogenic or benign to our knowledge

Literature cited by the submitters: PubMed 41292655 (cited by Undiagnosed Diseases Network, NIH); PubMed 17576681 (cited by Labcorp Genetics (formerly Invitae), Labcorp); PubMed 9536098 (cited by Labcorp Genetics (formerly Invitae), Labcorp).